The following is an entry in ClinVar:

ClinVar aggregate classification (germline): Uncertain significance (1 of 4 stars; one submission).

Conditions:
Cardiovascular phenotype. Identifiers: MedGen CN230736.

gnomAD v4.1: 4 of 1,610,694 alleles (0.00025%); highest among the groups gnomAD compares: African/African-American, 0.0053%; no homozygotes.

Submission:

Ambry Genetics
Classification: Uncertain significance for Cardiovascular phenotype. Last evaluated: 2024-06-21. Review status: criteria provided, single submitter. Criteria: Ambry Variant Classification Scheme 2023. Collection method: clinical testing. Allele origin: germline.
Comment: The p.K383M variant (also known as c.1148A>T), located in coding exon 10 of the PRDM5 gene, results from an A to T substitution at nucleotide position 1148. The lysine at codon 383 is replaced by methionine, an amino acid with similar properties. This amino acid position is conserved. In addition, the in silico prediction for this alteration is inconclusive. Based on the available evidence, the clinical significance of this variant remains unclear.

NM_018699.4(PRDM5):c.1148A>T (p.Lys383Met)

Gene: PRDM5 (PR/SET domain 5; minus strand). Cytogenetic location: 4q27.
Variant type: single nucleotide variant.
Coding change: c.1148A>T on transcript NM_018699.4 (MANE Select); coding-DNA position 1148, A replaced by T.
Protein change: p.Lys383Met; replaces lysine 383 with methionine.
Molecular consequence: missense variant.
Genome position (GRCh38, 1-based): chr4:120,798,307, T>A on the plus strand (A>T on the coding strand, the complement: PRDM5 is on the minus strand). VCF-style: chr4-120798307-T-A. GRCh37 (hg19) VCF-style: chr4-121719462-T-A.
Other names: c.1055A>T, p.Lys352Met (NM_001300823.2, NM_001300824.2, NM_001379106.1); c.1181A>T, p.Lys394Met (NM_001379104.1); short protein forms K383M, K352M, K394M.
Identifiers: ClinVar variation 3309812 (VCV003309812.1).